The following is an entry in ClinVar:

NM_000744.7(CHRNA4):c.493G>A (p.Val165Ile)

Gene: CHRNA4 (cholinergic receptor nicotinic alpha 4 subunit; minus strand). Cytogenetic location: 20q13.33.
Variant type: single nucleotide variant.
Coding change: c.493G>A on transcript NM_000744.7 (MANE Select); coding-DNA position 493, G replaced by A.
Protein change: p.Val165Ile; replaces valine 165 with isoleucine.
Molecular consequence: missense variant. On other transcripts: 5 prime UTR variant (1), non-coding transcript variant (1).
Genome position (GRCh38, 1-based): chr20:63,350,918, C>T on the plus strand (G>A on the coding strand, the complement: CHRNA4 is on the minus strand). VCF-style: chr20-63350918-C-T. GRCh37 (hg19) VCF-style: chr20-61982270-C-T.
Other names: c.-36G>A (NM_001256573.2); short protein forms V165I.
Identifiers: ClinVar variation 411849 (VCV000411849.8), dbSNP rs762764855, ClinGen allele CA9957793.
Genomic context (GRCh38, chr20:63,350,918, plus strand): 5'-CGTAGGTCCAGGAGCCGAATTTCATGGTGCAGTTCTGCTGGTCGAAGGGGAAGAAGGTGA[C>T]GTCGATGCTGCAGGAGCTCTTGTAAATGGCCGGGGGAGTCCACTGCACCCGCCCGTCATG-3'
Protein context (NP_000735.1, residues 155-175): AIYKSSCSID[Val165Ile]TFFPFDQQNC

ClinVar aggregate classification (germline): Uncertain significance (1 of 4 stars; one submission).

Conditions:
Familial sleep-related hypermotor epilepsy. Also called: Autosomal Dominant Sleep-Related Hypermotor (Hyperkinetic) Epilepsy. Identifiers: Orphanet 98784, MedGen C3696898, MONDO:0000030.

Allele frequency attached by ClinVar (database versions not stated): ExAC 0.00002; gnomAD exomes below 0.00001 and 0.00001.
gnomAD v4.1: 3 of 1,613,974 alleles (0.00019%); highest among the groups gnomAD compares: South Asian, 0.0022%; no homozygotes.

Submission:

Labcorp Genetics (formerly Invitae), Labcorp
Classification: Uncertain significance. Last evaluated: 2023-08-30. Review status: criteria provided, single submitter. Criteria: Invitae Variant Classification Sherloc (09022015). Collection method: clinical testing. Allele origin: germline.
Comment: This sequence change replaces valine, which is neutral and non-polar, with isoleucine, which is neutral and non-polar, at codon 165 of the CHRNA4 protein (p.Val165Ile). This variant is present in population databases (rs762764855, gnomAD 0.006%). This variant has not been reported in the literature in individuals affected with CHRNA4-related conditions. ClinVar contains an entry for this variant (Variation ID: 411849). Advanced modeling of protein sequence and biophysical properties (such as structural, functional, and spatial information, amino acid conservation, physicochemical variation, residue mobility, and thermodynamic stability) performed at Invitae indicates that this missense variant is not expected to disrupt CHRNA4 protein function. In summary, the available evidence is currently insufficient to determine the role of this variant in disease. Therefore, it has been classified as a Variant of Uncertain Significance.